The following is an entry in ClinVar:

ClinVar aggregate classification (germline): Uncertain significance (1 of 4 stars; one submission).

Submission:

GeneDx
Classification: Uncertain significance. Last evaluated: 2025-06-24. Review status: criteria provided, single submitter. Criteria: GeneDx Variant Classification Process June 2021. Collection method: clinical testing. Allele origin: germline. Affected: yes.
Comment: Not observed at significant frequency in large population cohorts (gnomAD); In silico analysis supports that this missense variant has a deleterious effect on protein structure/function; Has not been previously published as pathogenic or benign to our knowledge

NM_004612.4(TGFBR1):c.410T>A (p.Val137Asp)

Gene: TGFBR1 (transforming growth factor beta receptor 1; plus strand). Cytogenetic location: 9q22.33.
Variant type: single nucleotide variant.
Coding change: c.410T>A on transcript NM_004612.4 (MANE Select); coding-DNA position 410, T replaced by A.
Protein change: p.Val137Asp; replaces valine 137 with aspartic acid.
Molecular consequence: missense variant. On other transcripts: non-coding transcript variant (4), intron variant (3).
Genome position (GRCh38, 1-based): chr9:99,132,575, T>A. VCF-style: chr9-99132575-T-A. GRCh37 (hg19) VCF-style: chr9-101894857-T-A.
Other names: c.343+3475T>A (NM_001130916.3); c.98-5284T>A (NM_001407438.1); c.98-9961T>A (NM_001407437.1); c.422T>A, p.Val141Asp (NM_001306210.2, NM_001407416.1); c.410T>A, p.Val137Asp (NM_001407417.1, NM_001407435.1); c.215T>A, p.Val72Asp (NM_001407418.1, NM_001407419.1, NM_001407420.1 and 1 more transcripts); c.203T>A, p.Val68Asp (NM_001407423.1, NM_001407424.1, NM_001407425.1 and 8 more transcripts); c.164T>A, p.Val55Asp (NM_001407436.1); short protein forms V137D, V141D, V55D, V68D, V72D.
Identifiers: ClinVar variation 4540197 (VCV004540197.1).
Genomic context (GRCh38, chr9:99,132,575, plus strand): 5'-CATCACCTGGCCTTGGTCCTGTGGAACTGGCAGCTGTCATTGCTGGACCAGTGTGCTTCG[T>A]CTGCATCTCACTCATGTTGATGGTCTATATCTGCCACAACCGCACTGTCATTCACCATCG-3'
Protein context (NP_004603.1, residues 127-147): AAVIAGPVCF[Val137Asp]CISLMLMVYI